The following is an entry in ClinVar:

ClinVar aggregate classification (germline): Uncertain significance (1 of 4 stars; one submission).

Conditions:
Autosomal dominant hypocalcemia 1 (HYPOC1). Also called: HYPOCALCEMIA, FAMILIAL. Identifiers: MedGen C3715128, MONDO:0011013, OMIM 601198.
Familial hypocalciuric hypercalcemia (FHH). Also called: Familial benign hypercalcemia. Identifiers: Orphanet 405, MedGen C1809471, MONDO:0018458.

Submission:

Labcorp Genetics (formerly Invitae), Labcorp
Classification: Uncertain significance for Familial hypocalciuric hypercalcemia; Autosomal dominant hypocalcemia 1. Last evaluated: 2022-09-21. Review status: criteria provided, single submitter. Criteria: Invitae Variant Classification Sherloc (09022015). Collection method: clinical testing. Allele origin: germline.
Comment: ClinVar contains an entry for this variant (Variation ID: 1008263). This variant has not been reported in the literature in individuals affected with CASR-related conditions. This variant is not present in population databases (gnomAD no frequency). This sequence change replaces valine, which is neutral and non-polar, with isoleucine, which is neutral and non-polar, at codon 266 of the CASR protein (p.Val266Ile). In summary, the available evidence is currently insufficient to determine the role of this variant in disease. Therefore, it has been classified as a Variant of Uncertain Significance. Algorithms developed to predict the effect of missense changes on protein structure and function (SIFT, PolyPhen-2, Align-GVGD) all suggest that this variant is likely to be disruptive.

NM_000388.4(CASR):c.796G>A (p.Val266Ile)

Gene: CASR (calcium sensing receptor; plus strand). Cytogenetic location: 3q21.1.
Variant type: single nucleotide variant.
Coding change: c.796G>A on transcript NM_000388.4 (MANE Select); coding-DNA position 796, G replaced by A.
Protein change: p.Val266Ile; replaces valine 266 with isoleucine.
Molecular consequence: missense variant.
Genome position (GRCh38, 1-based): chr3:122,261,831, G>A. VCF-style: chr3-122261831-G-A. GRCh37 (hg19) VCF-style: chr3-121980678-G-A.
Other names: c.796G>A, p.Val266Ile (NM_001178065.2); short protein forms V266I.
Identifiers: ClinVar variation 1008263 (VCV001008263.11), dbSNP rs2074627422, ClinGen allele CA354151373.